The following is an entry in ClinVar:

ClinVar aggregate classification (germline): Pathogenic/Likely pathogenic. Review status: criteria provided, multiple submitters, no conflicts (2 of 4 stars). 9 submissions from 9 submitters: Pathogenic (7); Likely pathogenic (1). 1 of the submissions does not count toward it. Last evaluated 2025-10-10.

Conditions:
Early-infantile DEE. Also called: Early infantile epileptic encephalopathy with suppression bursts; Early infantile epileptic encephalopathy; Ohtahara syndrome. Identifiers: Orphanet 1934, MedGen C0393706, MONDO:0800491.
Inborn genetic diseases. Identifiers: MedGen C0950123, MeSH D030342.
KCNQ2-Related Disorders. Also called: KCNQ2-related disorder; KCNQ2-related condition. Identifiers: MedGen CN169299.
Seizures, benign familial neonatal, 1. Also called: KCNQ2-Related Self-Limited Familial Neonatal Epilepsy (SLFNE); Seizures, benign neonatal, 1; Benign Neonatal Epilepsy 1; KCNQ2-Related Benign Familial Neonatal Epilepsy. Identifiers: Orphanet 1949, MedGen C3149074, MONDO:0007365, OMIM 121200.

Submissions (9):

Labcorp Genetics (formerly Invitae), Labcorp
Classification: Pathogenic for Early-infantile DEE. Last evaluated: 2025-10-10. Review status: criteria provided, single submitter. Criteria: Invitae Variant Classification Sherloc (09022015). Collection method: clinical testing. Allele origin: germline.
Comment: This sequence change creates a premature translational stop signal (p.Pro411Alafs*7) in the KCNQ2 gene. It is expected to result in an absent or disrupted protein product. Loss-of-function variants in KCNQ2 are known to be pathogenic (PMID: 14534157, 23692823, 27779742). This variant is not present in population databases (gnomAD no frequency). This variant has not been reported in the literature in individuals affected with KCNQ2-related conditions. ClinVar contains an entry for this variant (Variation ID: 422786). For these reasons, this variant has been classified as Pathogenic.

CeGaT Center for Human Genetics Tuebingen
Classification: Pathogenic. Last evaluated: 2024-07-01. Review status: criteria provided, single submitter. Criteria: CeGaT Center For Human Genetics Tuebingen Variant Classification Criteria Version 2. Collection method: clinical testing. Allele origin: germline. Affected: yes. Observed: 2 variant alleles.
Comment: KCNQ2: PVS1, PM2, PP4, PS4:Supporting

Blueprint Genetics
Classification: Pathogenic for KCNQ2-related disorders. Last evaluated: 2024-05-29. Review status: criteria provided, single submitter. Criteria: ACMG Guidelines, 2015. Collection method: clinical testing. Allele origin: germline. Affected: yes. Observed: 1 variant allele.

GeneDx
Classification: Pathogenic. Last evaluated: 2022-03-26. Review status: criteria provided, single submitter. Criteria: GeneDx Variant Classification Process June 2021. Collection method: clinical testing. Allele origin: germline. Affected: yes.
Comment: Frameshift variant predicted to result in protein truncation or nonsense mediated decay in a gene for which loss of function is a known mechanism of disease; Not observed at significant frequency in large population cohorts (gnomAD); Has not been previously published as pathogenic or benign to our knowledge

Revvity Omics, Revvity
Classification: Likely pathogenic. Last evaluated: 2021-06-30. Review status: criteria provided, single submitter. Criteria: ACMG Guidelines, 2015. Collection method: clinical testing. Allele origin: germline.

Ambry Genetics
Classification: Pathogenic for Inborn genetic diseases. Last evaluated: 2018-02-21. Review status: criteria provided, single submitter. Criteria: Ambry Variant Classification Scheme 2023. Collection method: clinical testing. Allele origin: germline.
Comment: The c.1229dupC pathogenic mutation, located in coding exon 11 of the KCNQ2 gene, results from a duplication of C at nucleotide position 1229, causing a translational frameshift with a predicted alternate stop codon (p.P411Afs*7). This alteration is expected to result in loss of function by premature protein truncation or nonsense-mediated mRNA decay. As such, this alteration is interpreted as a disease-causing mutation.

Eurofins Ntd Llc (ga)
Classification: Pathogenic. Last evaluated: 2017-01-16. Review status: criteria provided, single submitter. Criteria: EGL Classification Definitions 2015. Collection method: clinical testing. Allele origin: germline. Observed: 1 variant allele, 1 heterozygote.

Cytogénomique, Hospices Civils de Lyon
Classification: Pathogenic for Seizures, benign familial neonatal, 1. Review status: criteria provided, single submitter. Criteria: ACMG Guidelines, 2015. Collection method: clinical testing. Allele origin: de novo. Inheritance: Sporadic. Affected: yes.

Bioscientia Institut fuer Medizinische Diagnostik GmbH, Sonic Healthcare
Classification: Pathogenic for Seizures, benign familial neonatal, 1. Last evaluated: 2020-06-17. Review status: no assertion criteria provided. Collection method: clinical testing. Allele origin: germline. Affected: yes. Not counted in ClinVar's aggregate classification.

Literature cited by the submitters: PubMed 14534157 (cited by Labcorp Genetics (formerly Invitae), Labcorp); PubMed 23692823 (cited by Labcorp Genetics (formerly Invitae), Labcorp); PubMed 27779742 (cited by Labcorp Genetics (formerly Invitae), Labcorp).

NM_172107.4(KCNQ2):c.1229dup (p.Pro411fs)

Gene: KCNQ2 (potassium voltage-gated channel subfamily Q member 2; minus strand). Cytogenetic location: 20q13.33.
Variant type: Duplication.
Coding change: c.1229dup on transcript NM_172107.4 (MANE Select); coding-DNA position 1229, one base duplicated (C; older notation c.1229dupC).
Protein change: p.Pro411fs; shifts the reading frame from proline 411.
Molecular consequence: frameshift variant.
Genome position (GRCh38, 1-based): chr20:63,424,195, G duplicated on the plus strand (C on the coding strand, the reverse complement: KCNQ2 is on the minus strand); the first of 6 consecutive G bases (chr20:63,424,195-63,424,200); duplicating any one gives the same sequence. VCF-style (leftmost placement, unchanged base first): chr20-63424194-C-CG. GRCh37 (hg19) VCF-style: chr20-62055547-C-CG.
Other names: c.1229dup (NM_172107.2); c.1199dup, p.Pro401fs (NM_004518.6); c.1229dup, p.Pro411fs (NM_172106.3, NM_172108.5); short protein forms P401fs, P411fs.
Identifiers: ClinVar variation 422786 (VCV000422786.54), dbSNP rs886041339, ClinGen allele CA16620965.